The following is an entry in ClinVar:

ClinVar aggregate classification (germline): Uncertain significance (1 of 4 stars; one submission).

Allele frequency attached by ClinVar (database versions not stated): gnomAD 0.00002; TOPMed 0.00002; gnomAD exomes 0.00003 and 0.00004; ExAC 0.00007.
gnomAD v4.1: 46 of 1,610,372 alleles (0.0029%); highest among the groups gnomAD compares: Admixed American, 0.0051%; no homozygotes.

Submission:

Labcorp Genetics (formerly Invitae), Labcorp
Classification: Uncertain significance. Last evaluated: 2024-08-07. Review status: criteria provided, single submitter. Criteria: Invitae Variant Classification Sherloc (09022015). Collection method: clinical testing. Allele origin: germline.
Comment: This sequence change falls in intron 6 of the PISD gene. It does not directly change the encoded amino acid sequence of the PISD protein. It affects a nucleotide within the consensus splice site. This variant is present in population databases (rs777786765, gnomAD 0.006%). This variant has not been reported in the literature in individuals affected with PISD-related conditions. ClinVar contains an entry for this variant (Variation ID: 1504054). Variants that disrupt the consensus splice site are a relatively common cause of aberrant splicing (PMID: 17576681, 9536098). Algorithms developed to predict the effect of sequence changes on RNA splicing suggest that this variant is not likely to affect RNA splicing. In summary, the available evidence is currently insufficient to determine the role of this variant in disease. Therefore, it has been classified as a Variant of Uncertain Significance.

Literature cited by the submitters: PubMed 17576681; PubMed 9536098.

NM_001326411.2(PISD):c.844+5G>A

Gene: PISD (phosphatidylserine decarboxylase; minus strand). Cytogenetic location: 22q12.2.
Variant type: single nucleotide variant.
Coding change: c.844+5G>A on transcript NM_001326411.2 (MANE Select); 5 bases into the intron after coding-DNA position 844, G replaced by A.
Molecular consequence: intron variant.
Genome position (GRCh38, 1-based): chr22:31,620,991, C>T on the plus strand (G>A on the coding strand, the complement: PISD is on the minus strand). VCF-style: chr22-31620991-C-T. GRCh37 (hg19) VCF-style: chr22-32016977-C-T.
Other names: c.781+5G>A (NM_001326412.1, NM_001326413.2, NM_001326414.2); c.844+5G>A (NM_001326421.1); c.664+5G>A (NM_001326420.2, NM_001326418.2); c.742+5G>A (NM_001326415.2, NM_001326419.2, NM_001326417.2 and 3 more transcripts).
Identifiers: ClinVar variation 1504054 (VCV001504054.6), dbSNP rs777786765, ClinGen allele CA10194646.